The following is an entry in ClinVar:

ClinVar aggregate classification (germline): Benign/Likely benign. Review status: criteria provided, multiple submitters, no conflicts (2 of 4 stars). 3 submissions from 3 submitters: Benign (1); Likely benign (1). 1 of the submissions does not count toward it. Last evaluated 2026-01-27.

Conditions:
FPGT-TNNI3K-related disorder. Also called: FPGT-TNNI3K-related condition.

Allele frequency attached by ClinVar (database versions not stated): gnomAD exomes 0.00012; ExAC 0.00014; ESP Exome Variant Server 0.00015; gnomAD 0.00035 and 0.00036; TOPMed 0.00038; 1000 Genomes Project 30x 0.00047; 1000 Genomes Project 0.00060.
gnomAD v4.1: 117 of 1,607,610 alleles (0.0073%); highest among the groups gnomAD compares: African/African-American, 0.13%; no homozygotes.

Submissions (3):

Labcorp Genetics (formerly Invitae), Labcorp
Classification: Benign. Last evaluated: 2026-01-27. Review status: criteria provided, single submitter. Criteria: Invitae Variant Classification Sherloc (09022015). Collection method: clinical testing. Allele origin: germline.

Blueprint Genetics
Classification: Likely benign. Last evaluated: 2024-10-09. Review status: criteria provided, single submitter. Criteria: ACMG Guidelines, 2015. Collection method: clinical testing. Allele origin: germline.

PreventionGenetics, part of Exact Sciences
Classification: Likely benign for FPGT-TNNI3K-related condition. Last evaluated: 2019-06-12. Review status: no assertion criteria provided. Collection method: clinical testing. Allele origin: germline. Not counted in ClinVar's aggregate classification.
Comment: This variant is classified as likely benign based on ACMG/AMP sequence variant interpretation guidelines (Richards et al. 2015 PMID: 25741868, with internal and published modifications).

NM_015978.3(TNNI3K):c.426A>G (p.Thr142=)

Genes: FPGT-TNNI3K (FPGT-TNNI3K readthrough; plus strand), TNNI3K (TNNI3 interacting kinase; plus strand). Cytogenetic location: 1p31.1.
Variant type: single nucleotide variant.
Coding change: c.426A>G on transcript NM_015978.3 (MANE Select); coding-DNA position 426, A replaced by G.
Protein change: p.Thr142=; no amino-acid change (threonine 142 retained).
Molecular consequence: synonymous variant.
Genome position (GRCh38, 1-based): chr1:74,271,690, A>G. VCF-style: chr1-74271690-A-G. GRCh37 (hg19) VCF-style: chr1-74737374-A-G.
Other names: c.729A>G, p.Thr243= (NM_001112808.3, NM_001199327.2).
Identifiers: ClinVar variation 1599395 (VCV001599395.11), dbSNP rs141855344, ClinGen allele CA908889.